The following is an entry in ClinVar:

ClinVar aggregate classification (germline): Uncertain significance (1 of 4 stars; one submission).

Submission:

Labcorp Genetics (formerly Invitae), Labcorp
Classification: Uncertain significance. Last evaluated: 2024-09-03. Review status: criteria provided, single submitter. Criteria: Invitae Variant Classification Sherloc (09022015). Collection method: clinical testing. Allele origin: germline.
Comment: This sequence change creates a premature translational stop signal (p.Leu135Phefs*2) in the GUF1 gene. It is expected to result in an absent or disrupted protein product. However, the current clinical and genetic evidence is not sufficient to establish whether loss-of-function variants in GUF1 cause disease. This variant is not present in population databases (gnomAD no frequency). This variant has not been reported in the literature in individuals affected with GUF1-related conditions. In summary, the available evidence is currently insufficient to determine the role of this variant in disease. Therefore, it has been classified as a Variant of Uncertain Significance.

NM_021927.3(GUF1):c.403del (p.Leu135fs)

Gene: GUF1 (GTP binding elongation factor GUF1; plus strand). Cytogenetic location: 4p12.
Variant type: Deletion.
Coding change: c.403del on transcript NM_021927.3 (MANE Select); coding-DNA position 403, one base deleted (C; older notation c.403delC).
Protein change: p.Leu135fs; shifts the reading frame from leucine 135.
Molecular consequence: frameshift variant. On other transcripts: 5 prime UTR variant (2).
Genome position (GRCh38, 1-based): chr4:44,680,819, C deleted; the last of 2 consecutive C bases (chr4:44,680,818-44,680,819); deleting either gives the same sequence. VCF-style (leftmost placement, unchanged base first): chr4-44680817-AC-A. GRCh37 (hg19) VCF-style: chr4-44682834-AC-A.
Other names: c.-566del (NM_001345867.2); c.403del, p.Leu135fs (NM_001345868.2); c.-570del (NM_001345869.2); short protein forms L135fs.
Identifiers: ClinVar variation 3664337 (VCV003664337.2).